The following is an entry in ClinVar:

NM_000181.4(GUSB):c.*55C>T

Gene: GUSB (glucuronidase beta; minus strand). Cytogenetic location: 7q11.21.
Variant type: single nucleotide variant.
Coding change: c.*55C>T on transcript NM_000181.4 (MANE Select); 55 bases downstream of the stop codon, C replaced by T.
Molecular consequence: 3 prime UTR variant. On other transcripts: non-coding transcript variant (1).
Genome position (GRCh38, 1-based): chr7:65,960,842, G>A on the plus strand (C>T on the coding strand, the complement: GUSB is on the minus strand). VCF-style: chr7-65960842-G-A. GRCh37 (hg19) VCF-style: chr7-65425829-G-A.
Other names: c.*55C>T (NM_001284290.2, NM_001293104.2, NM_001293105.2).
Identifiers: ClinVar variation 360548 (VCV000360548.5), dbSNP rs372605666, ClinGen allele CA10626283.

ClinVar aggregate classification (germline): Benign (1 of 4 stars; one submission).

Conditions:
Mucopolysaccharidosis type 7 (MPS7). Also called: BETA-GLUCURONIDASE DEFICIENCY; GUSB DEFICIENCY; SLY SYNDROME; MPS VII. Identifiers: Orphanet 584, MedGen C0085132, MONDO:0009662, OMIM 253220.

Allele frequency attached by ClinVar (database versions not stated): gnomAD 0.00001 and 0.00060; TOPMed 0.00012; gnomAD exomes 0.00126; 1000 Genomes Project 30x 0.00437; 1000 Genomes Project 0.00499.
gnomAD v4.1: 1,758 of 1,473,214 alleles (0.12%); highest among the groups gnomAD compares: South Asian, 1.9%; 24 homozygotes.

Submission:

Illumina Laboratory Services, Illumina
Classification: Benign for Mucopolysaccharidosis type 7. Last evaluated: 2018-01-12. Review status: criteria provided, single submitter. Criteria: ICSL Variant Classification Criteria 13 December 2019. Collection method: clinical testing. Allele origin: germline.
Comment: This variant was observed in the ICSL laboratory as part of a predisposition screen in an ostensibly healthy population. It had not been previously curated by ICSL or reported in the Human Gene Mutation Database (HGMD: prior to June 1st, 2018), and was therefore a candidate for classification through an automated scoring system. Utilizing variant allele frequency, disease prevalence and penetrance estimates, and inheritance mode, an automated score was calculated to assess if this variant is too frequent to cause the disease. Based on the score and internal cut-off values, a variant classified as benign is not then subjected to further curation. The score for this variant resulted in a classification of benign for this disease.